The following is an entry in ClinVar:

ClinVar aggregate classification (germline): Uncertain significance. Review status: criteria provided, multiple submitters, no conflicts (2 of 4 stars). 4 submissions from 4 submitters: Uncertain significance (4). Last evaluated 2025-10-16.

Conditions:
Hereditary cancer-predisposing syndrome. Also called: Neoplastic Syndromes, Hereditary; Tumor predisposition; Hereditary Cancer Syndrome; Hereditary neoplastic syndrome. Identifiers: Orphanet 140162, MedGen C0027672, MeSH D009386, MONDO:0015356.
Aplastic anemia. Identifiers: Orphanet 182040, Orphanet 88, MedGen C0002874, MONDO:0015909, OMIM 609135, HP:0001915.
Microcephaly, normal intelligence and immunodeficiency (NBS). Also called: Nijmegen breakage syndrome; Immunodeficiency, microcephaly with normal intelligence; SEEMANOVA SYNDROME II; Microcephaly with normal intelligence immunodeficiency and lymphoreticular malignancies; Nonsyndromal microcephaly autosomal recessive with normal intelligence; Seemanova syndrome 2. Identifiers: Orphanet 647, MedGen C0398791, MONDO:0009623, OMIM 251260.

Allele frequency attached by ClinVar (database versions not stated): gnomAD exomes 0.00001.
gnomAD v4.1: 11 of 1,599,678 alleles (0.00069%); highest among the groups gnomAD compares: South Asian, 0.0011%; no homozygotes.

Submissions (4):

Ambry Genetics
Classification: Uncertain significance for Hereditary cancer-predisposing syndrome. Last evaluated: 2025-10-16. Review status: criteria provided, single submitter. Criteria: Ambry Variant Classification Scheme 2023. Collection method: clinical testing. Allele origin: germline.
Comment: The p.E175Q variant (also known as c.523G>C), located in coding exon 5 of the NBN gene, results from a G to C substitution at nucleotide position 523. The glutamic acid at codon 175 is replaced by glutamine, an amino acid with highly similar properties. This amino acid position is well conserved in available vertebrate species. In addition, the in silico prediction for this alteration is inconclusive. Since supporting evidence is limited at this time, the clinical significance of this alteration remains unclear.

Baylor Genetics
Classification: Uncertain significance for Aplastic anemia. Last evaluated: 2024-02-26. Review status: criteria provided, single submitter. Criteria: ACMG Guidelines, 2015. Collection method: clinical testing. Allele origin: unknown.

Labcorp Genetics (formerly Invitae), Labcorp
Classification: Uncertain significance for Microcephaly, normal intelligence and immunodeficiency. Last evaluated: 2023-05-26. Review status: criteria provided, single submitter. Criteria: Invitae Variant Classification Sherloc (09022015). Collection method: clinical testing. Allele origin: germline.
Comment: In summary, the available evidence is currently insufficient to determine the role of this variant in disease. Therefore, it has been classified as a Variant of Uncertain Significance. An algorithm developed to predict the effect of missense changes on protein structure and function (PolyPhen-2) suggests that this variant is likely to be tolerated. ClinVar contains an entry for this variant (Variation ID: 567539). This variant has not been reported in the literature in individuals affected with NBN-related conditions. This variant is not present in population databases (gnomAD no frequency). This sequence change replaces glutamic acid, which is acidic and polar, with glutamine, which is neutral and polar, at codon 175 of the NBN protein (p.Glu175Gln).

Genome-Nilou Lab
Classification: Uncertain significance for Microcephaly, normal intelligence and immunodeficiency. Last evaluated: 2021-11-07. Review status: criteria provided, single submitter. Criteria: ACMG Guidelines, 2015. Collection method: clinical testing. Allele origin: germline. Affected: no.

NM_002485.5(NBN):c.523G>C (p.Glu175Gln)

Gene: NBN (nibrin; minus strand). Cytogenetic location: 8q21.3.
Variant type: single nucleotide variant.
Coding change: c.523G>C on transcript NM_002485.5 (MANE Select); coding-DNA position 523, G replaced by C.
Protein change: p.Glu175Gln; replaces glutamic acid 175 with glutamine.
Molecular consequence: missense variant.
Genome position (GRCh38, 1-based): chr8:89,978,281, C>G on the plus strand (G>C on the coding strand, the complement: NBN is on the minus strand). VCF-style: chr8-89978281-C-G. GRCh37 (hg19) VCF-style: chr8-90990509-C-G.
Other names: c.277G>C, p.Glu93Gln (NM_001024688.3); short protein forms E175Q, E93Q.
Identifiers: ClinVar variation 567539 (VCV000567539.20), dbSNP rs730881861, ClinGen allele CA371660345.